The following is an entry in ClinVar:

ClinVar aggregate classification (germline): Uncertain significance (1 of 4 stars; one submission).

Submission:

Labcorp Genetics (formerly Invitae), Labcorp
Classification: Uncertain significance. Last evaluated: 2022-07-27. Review status: criteria provided, single submitter. Criteria: Invitae Variant Classification Sherloc (09022015). Collection method: clinical testing. Allele origin: germline.
Comment: In summary, the available evidence is currently insufficient to determine the role of this variant in disease. Therefore, it has been classified as a Variant of Uncertain Significance. Algorithms developed to predict the effect of missense changes on protein structure and function output the following: SIFT: "Tolerated"; PolyPhen-2: "Benign"; Align-GVGD: "Class C0". The asparagine amino acid residue is found in multiple mammalian species, which suggests that this missense change does not adversely affect protein function. This variant has not been reported in the literature in individuals affected with VCAN-related conditions. This variant is not present in population databases (gnomAD no frequency). This sequence change replaces aspartic acid, which is acidic and polar, with asparagine, which is neutral and polar, at codon 1650 of the VCAN protein (p.Asp1650Asn).

NM_004385.5(VCAN):c.4948G>A (p.Asp1650Asn)

Genes: VCAN (versican; plus strand), VCAN-AS1 (VCAN antisense RNA 1; minus strand). Cytogenetic location: 5q14.3.
Variant type: single nucleotide variant.
Coding change: c.4948G>A on transcript NM_004385.5 (MANE Select); coding-DNA position 4948, G replaced by A.
Protein change: p.Asp1650Asn; replaces aspartic acid 1650 with asparagine.
Molecular consequence: missense variant. On other transcripts: intron variant (2).
Genome position (GRCh38, 1-based): chr5:83,537,951, G>A. VCF-style: chr5-83537951-G-A. GRCh37 (hg19) VCF-style: chr5-82833770-G-A.
Other names: c.1987G>A, p.Asp663Asn (NM_001164097.2); c.4004-7586G>A (NM_001164098.2); c.1043-7586G>A (NM_001126336.3); short protein forms D1650N, D663N.
Identifiers: ClinVar variation 1713965 (VCV001713965.5), dbSNP rs2479105969, ClinGen allele CA360309343.